The following is an entry in ClinVar:

ClinVar aggregate classification (germline): Uncertain significance (1 of 4 stars; one submission).

Submission:

GeneDx
Classification: Uncertain significance. Last evaluated: 2025-06-30. Review status: criteria provided, single submitter. Criteria: GeneDx Variant Classification Process June 2021. Collection method: clinical testing. Allele origin: germline.
Comment: Not observed at significant frequency in large population cohorts (gnomAD); In silico analysis suggests that this missense variant does not alter protein structure/function; Has not been previously published as pathogenic or benign to our knowledge

NM_021096.4(CACNA1I):c.3002C>G (p.Ala1001Gly)

Gene: CACNA1I (calcium voltage-gated channel subunit alpha1 I; plus strand). Cytogenetic location: 22q13.1.
Variant type: single nucleotide variant.
Coding change: c.3002C>G on transcript NM_021096.4 (MANE Select); coding-DNA position 3002, C replaced by G.
Protein change: p.Ala1001Gly; replaces alanine 1001 with glycine.
Molecular consequence: missense variant.
Genome position (GRCh38, 1-based): chr22:39,662,065, C>G. VCF-style: chr22-39662065-C-G. GRCh37 (hg19) VCF-style: chr22-40058070-C-G.
Other names: c.2897C>G, p.Ala966Gly (NM_001003406.2); short protein forms A1001G, A966G.
Identifiers: ClinVar variation 3390426 (VCV003390426.2).